The following is an entry in ClinVar:

ClinVar aggregate classification (germline): Uncertain significance (1 of 4 stars; one submission).

Conditions:
Shukla-Vernon syndrome. Identifiers: MedGen C5193146, MONDO:0026727, OMIM 301029.

Allele frequency attached by ClinVar (database versions not stated): TOPMed 0.00002; ESP Exome Variant Server 0.00009; gnomAD 0.00017; gnomAD exomes 0.00024; ExAC 0.00085; 1000 Genomes Project 30x 0.00271; 1000 Genomes Project 0.00344.
gnomAD v4.1: 282 of 1,207,612 alleles (0.023%); highest among the groups gnomAD compares: South Asian, 0.48%; 2 homozygotes.

Submission:

Neuberg Centre For Genomic Medicine, NCGM
Classification: Uncertain significance for Shukla-Vernon syndrome. Review status: criteria provided, single submitter. Criteria: ACMG Guidelines, 2015. Collection method: clinical testing. Allele origin: germline. Inheritance: X-linked inheritance. Affected: yes.
Comment: The missense variant c.4976A>C (p.Gln1659Pro) in BCORL1 has not been reported previously as a pathogenic variant nor as a benign variant, to our knowledge. The p.Gln1659Pro variant is novel (not in any individuals) in 1000 Genomes and allele frequency of 0.05000% is reported in gnomAD. The amino acid Gln at position 1659 is changed to a Pro changing protein sequence and it might alter its composition and physico-chemical properties. The variant is predicted to be damaging by both SIFT and PolyPhen2. The residue is conserved across species. The amino acid change p.Gln1659Pro in BCORL1 is predicted as conserved by GERP++ and PhyloP across 100 vertebrates. For these reasons, this variant has been classified as Uncertain Significance.

NM_001379451.1(BCORL1):c.4976A>C (p.Gln1659Pro)

Gene: BCORL1 (BCL6 corepressor like 1; plus strand). Cytogenetic location: Xq26.1.
Variant type: single nucleotide variant.
Coding change: c.4976A>C on transcript NM_001379451.1 (MANE Select); coding-DNA position 4976, A replaced by C.
Protein change: p.Gln1659Pro; replaces glutamine 1659 with proline.
Molecular consequence: missense variant.
Genome position (GRCh38, 1-based): chrX:130,051,917, A>C. VCF-style: chrX-130051917-A-C. GRCh37 (hg19) VCF-style: chrX-129185892-A-C.
Other names: c.4976A>C, p.Gln1659Pro (NM_001184772.3, NM_001379450.1); c.4754A>C, p.Gln1585Pro (NM_021946.5); short protein forms Q1585P, Q1659P.
Identifiers: ClinVar variation 2585396 (VCV002585396.2), dbSNP rs373569866, ClinGen allele CA10514784.